The following is an entry in ClinVar:

NM_000719.7(CACNA1C):c.5573+5G>C

Genes: CACNA1C (calcium voltage-gated channel subunit alpha1 C; plus strand), CACNA1C-AS1 (CACNA1C antisense RNA 1; minus strand). Cytogenetic location: 12p13.33.
Variant type: single nucleotide variant.
Coding change: c.5573+5G>C on transcript NM_000719.7 (MANE Select); 5 bases into the intron after coding-DNA position 5573, G replaced by C.
Molecular consequence: intron variant.
Genome position (GRCh38, 1-based): chr12:2,682,683, G>C. VCF-style: chr12-2682683-G-C. GRCh37 (hg19) VCF-style: chr12-2791849-G-C.
Other names: c.5678+5G>C (NM_001167624.3, NM_001129830.3); c.5573+5G>C (NM_001167623.2, NM_001129840.2, NM_001129842.2 and 2 more transcripts); c.5753+5G>C (NM_001167625.2); c.5822+5G>C (NM_199460.4); c.5717+5G>C (NM_001129827.2); c.5633+5G>C (NM_001129832.2); c.5657+5G>C (NM_001129831.2); c.5630+5G>C (NM_001129833.2, NM_001129834.2, NM_001129835.2); and 6 more.
Identifiers: ClinVar variation 190689 (VCV000190689.2), dbSNP rs786205768, ClinGen allele CA301655.

ClinVar aggregate classification (germline): Uncertain significance (1 of 4 stars; one submission).

Submission:

GeneDx
Classification: Uncertain significance. Last evaluated: 2012-12-31. Review status: criteria provided, single submitter. Criteria: GeneDx Variant Classification (06012015). Collection method: clinical testing. Allele origin: germline. Affected: yes.
Comment: c.5573+5 G>C: IVS43+5 G>C in intron 43 of the CACNA1C gene (NM_000719.6). The c.5573+5 G>C variant has not been reported as a disease-causing mutation or as a benign polymorphism to our knowledge. This variant is predicted to destroy the splice donor site in intron 43 and is may cause abnormal gene splicing. The variant is predicted to lead to either an abnormal message that is subject to nonsense-mediated mRNA decay, or to an abnormal protein product if the message is used for protein translation. However, no splice site mutations in the CACNA1C gene have been reported in association with LQTS. With the clinical and molecular information available at this time, we cannot definitively determine if c.5573+5 G>C is a disease-causing mutation or a rare benign variant. The variant is found in LQT panel(s).